The following is an entry in ClinVar:

NM_020778.5(ALPK3):c.1058A>G (p.Asp353Gly)

Gene: ALPK3 (alpha kinase 3; plus strand). Cytogenetic location: 15q25.3.
Variant type: single nucleotide variant.
Coding change: c.1058A>G on transcript NM_020778.5 (MANE Select); coding-DNA position 1058, A replaced by G.
Protein change: p.Asp353Gly; replaces aspartic acid 353 with glycine.
Molecular consequence: missense variant.
Genome position (GRCh38, 1-based): chr15:84,840,337, A>G. VCF-style: chr15-84840337-A-G. GRCh37 (hg19) VCF-style: chr15-85383568-A-G.
Other names: short protein forms D353G.
Identifiers: ClinVar variation 4044878 (VCV004044878.1).

ClinVar aggregate classification (germline): Uncertain significance (1 of 4 stars; one submission).

Conditions:
Cardiovascular phenotype. Identifiers: MedGen CN230736.

Submission:

Ambry Genetics
Classification: Uncertain significance for Cardiovascular phenotype. Last evaluated: 2025-05-26. Review status: criteria provided, single submitter. Criteria: Ambry Variant Classification Scheme 2023. Collection method: clinical testing. Allele origin: germline.
Comment: The p.D555G variant (also known as c.1664A>G), located in coding exon 5 of the ALPK3 gene, results from an A to G substitution at nucleotide position 1664. The aspartic acid at codon 555 is replaced by glycine, an amino acid with similar properties. This amino acid position is conserved. In addition, this alteration is predicted to be tolerated by in silico analysis. Based on the available evidence, the clinical significance of this variant remains unclear.